The following is an entry in ClinVar:

NM_005141.5(FGB):c.854G>A (p.Arg285His)

Gene: FGB (fibrinogen beta chain; plus strand). Cytogenetic location: 4q31.3.
Variant type: single nucleotide variant.
Coding change: c.854G>A on transcript NM_005141.5 (MANE Select); coding-DNA position 854, G replaced by A.
Protein change: p.Arg285His; replaces arginine 285 with histidine.
Molecular consequence: missense variant. On other transcripts: intron variant (1).
Genome position (GRCh38, 1-based): chr4:154,569,203, G>A. VCF-style: chr4-154569203-G-A. GRCh37 (hg19) VCF-style: chr4-155490355-G-A.
Other names: c.677G>A, p.Arg226His (NM_001184741.1); c.722G>A, p.Arg241His (NM_001382759.1); c.854G>A, p.Arg285His (NM_001382760.1, NM_001382761.1, NM_001382764.1 and 1 more transcripts); c.845G>A, p.Arg282His (NM_001382763.1); c.746-398G>A (NM_001382762.1); short protein forms R282H, R226H, R241H, R285H.
Identifiers: ClinVar variation 4989599 (VCV004989599.1).

ClinVar aggregate classification (germline): Likely pathogenic (1 of 4 stars; one submission).

Conditions:
FGB-related disorder. Also called: FGB-related condition.

Submission:

PreventionGenetics, part of Exact Sciences
Classification: Likely pathogenic for FGB-related condition. Last evaluated: 2025-12-02. Review status: criteria provided, single submitter. Criteria: ACMG Guidelines, 2015. Collection method: clinical testing. Allele origin: germline.
Comment: The FGB c.854G>A variant is predicted to result in the amino acid substitution p.Arg285His. This variant has been reported to segregate with autosomal dominant hypofibrinogenemia in at least 2 families. (Maghzal et al. 2003. PubMed ID: 12573244; Fager Ferrari et al. 2020. PubMed ID: 32852326). Mass spectrometry studies indicate this variant impacts beta fibrinogen expression in affected individual's blood (Maghzal et al. 2003. PubMed ID: 12573244). This variant has not been reported in a large population database (gnomAD), indicating this variant is rare. This variant is interpreted as likely pathogenic.